The following is an entry in ClinVar:

NM_000043.6(FAS):c.719T>A (p.Met240Lys)

Gene: FAS (Fas cell surface death receptor; plus strand). Cytogenetic location: 10q23.31.
Variant type: single nucleotide variant.
Coding change: c.719T>A on transcript NM_000043.6 (MANE Select); coding-DNA position 719, T replaced by A.
Protein change: p.Met240Lys; replaces methionine 240 with lysine.
Molecular consequence: missense variant. On other transcripts: 3 prime UTR variant (2), non-coding transcript variant (7).
Genome position (GRCh38, 1-based): chr10:89,014,161, T>A. VCF-style: chr10-89014161-T-A. GRCh37 (hg19) VCF-style: chr10-90773918-T-A.
Other names: c.*42T>A (NM_001320619.2); c.656T>A, p.Met219Lys (NM_152871.4); c.*31T>A (NM_152872.4); short protein forms M219K, M240K.
Identifiers: ClinVar variation 1353667 (VCV001353667.6), dbSNP rs2119445378, ClinGen allele CA377509639.

ClinVar aggregate classification (germline): Uncertain significance (1 of 4 stars; one submission).

Conditions:
Autoimmune lymphoproliferative syndrome type 1. Also called: AUTOIMMUNE LYMPHOPROLIFERATIVE SYNDROME, TYPE I, AUTOSOMAL DOMINANT. Identifiers: Orphanet 3261, MedGen C2717884, MONDO:0011158, OMIM 601859.

Submission:

Labcorp Genetics (formerly Invitae), Labcorp
Classification: Uncertain significance for Autoimmune lymphoproliferative syndrome. Last evaluated: 2020-12-04. Review status: criteria provided, single submitter. Criteria: Invitae Variant Classification Sherloc (09022015). Collection method: clinical testing. Allele origin: germline.
Comment: Algorithms developed to predict the effect of missense changes on protein structure and function are either unavailable or do not agree on the potential impact of this missense change (SIFT: "Not Available"; PolyPhen-2: "Probably Damaging"; Align-GVGD: "Not Available"). This variant has been observed in individual(s) with autoimmune lymphoproliferative syndrome (ALPS) (Invitae). This variant is not present in population databases (ExAC no frequency). This sequence change replaces methionine with lysine at codon 240 of the FAS protein (p.Met240Lys). The methionine residue is highly conserved and there is a moderate physicochemical difference between methionine and lysine. In summary, the available evidence is currently insufficient to determine the role of this variant in disease. Therefore, it has been classified as a Variant of Uncertain Significance.